The following is an entry in ClinVar:

ClinVar aggregate classification (germline): Uncertain significance (1 of 4 stars; one submission).

Submission:

GeneDx
Classification: Uncertain significance. Last evaluated: 2019-06-03. Review status: criteria provided, single submitter. Criteria: GeneDx Variant Classification Process June 2021. Collection method: clinical testing. Allele origin: germline. Affected: yes.
Comment: Not observed in large population cohorts (Lek et al., 2016); Canonical splice site variant in a gene for which loss-of-function is not a known mechanism of disease; Has not been previously published as pathogenic or benign to our knowledge

NM_001098511.3(KIF2A):c.2150-2A>C

Gene: KIF2A (kinesin family member 2A; plus strand). Cytogenetic location: 5q12.1.
Variant type: single nucleotide variant.
Coding change: c.2150-2A>C on transcript NM_001098511.3 (MANE Select); the canonical splice acceptor site of the intron before coding-DNA position 2150, A replaced by C.
Molecular consequence: splice acceptor variant.
Genome position (GRCh38, 1-based): chr5:62,385,482, A>C. VCF-style: chr5-62385482-A-C. GRCh37 (hg19) VCF-style: chr5-61681309-A-C.
Other names: c.1955-2A>C (NM_001243952.2); c.2036-2A>C (NM_004520.5); c.1979-2A>C (NM_001243953.2).
Identifiers: ClinVar variation 1306266 (VCV001306266.2), dbSNP rs2112019070, ClinGen allele CA359822793.